The following is an entry in ClinVar:

ClinVar aggregate classification (germline): Likely benign (0 of 4 stars; one submission).

Conditions:
MAPK10-related disorder. Also called: MAPK10-related condition.

Allele frequency attached by ClinVar (database versions not stated): gnomAD 0.00001; gnomAD exomes 0.00002; TOPMed 0.00002; ExAC 0.00005.
gnomAD v4.1: 34 of 1,601,692 alleles (0.0021%); highest among the groups gnomAD compares: Middle Eastern, 0.017%; no homozygotes.

Submission:

PreventionGenetics, part of Exact Sciences
Classification: Likely benign for MAPK10-related condition. Last evaluated: 2019-02-20. Review status: no assertion criteria provided. Collection method: clinical testing. Allele origin: germline.
Comment: This variant is classified as likely benign based on ACMG/AMP sequence variant interpretation guidelines (Richards et al. 2015 PMID: 25741868, with internal and published modifications).

NM_138982.4(MAPK10):c.237-10A>G

Gene: MAPK10 (mitogen-activated protein kinase 10; minus strand). Cytogenetic location: 4q21.3.
Variant type: single nucleotide variant.
Coding change: c.237-10A>G on transcript NM_138982.4 (MANE Select); 10 bases into the intron before coding-DNA position 237, A replaced by G.
Molecular consequence: intron variant.
Genome position (GRCh38, 1-based): chr4:86,107,362, T>C on the plus strand (A>G on the coding strand, the complement: MAPK10 is on the minus strand). VCF-style: chr4-86107362-T-C. GRCh37 (hg19) VCF-style: chr4-87028515-T-C.
Other names: c.237-10A>G (NM_002753.6, NM_001318069.2, NM_001318067.1); c.123-10A>G (NM_001351624.2, NM_001351625.3, NM_001363657.3 and 1 more transcripts); c.-140-10A>G (NM_001318068.1).
Identifiers: ClinVar variation 3058508 (VCV003058508.2), dbSNP rs775995908, ClinGen allele CA2995244.